The following is an entry in ClinVar:

NM_001278064.2(GRM1):c.1603G>A (p.Val535Ile)

Gene: GRM1 (glutamate metabotropic receptor 1; plus strand). Cytogenetic location: 6q24.3.
Variant type: single nucleotide variant.
Coding change: c.1603G>A on transcript NM_001278064.2 (MANE Select); coding-DNA position 1603, G replaced by A.
Protein change: p.Val535Ile; replaces valine 535 with isoleucine.
Molecular consequence: missense variant.
Genome position (GRCh38, 1-based): chr6:146,386,890, G>A. VCF-style: chr6-146386890-G-A. GRCh37 (hg19) VCF-style: chr6-146708026-G-A.
Other names: c.1603G>A (NM_001278064.1); c.1603G>A, p.Val535Ile (NM_001278065.2, NM_001278066.1, NM_001278067.1); short protein forms V535I.
Identifiers: ClinVar variation 1985870 (VCV001985870.5), dbSNP rs370801324, ClinGen allele CA4037333.
Genomic context (GRCh38, chr6:146,386,890, plus strand): 5'-TGAAATAGAAGCTTTTCTGGGAAAACTATCTTTAAAATTCATGAAATATCTATGTTATAG[G>A]TTATACGGAAAGGAGAAGTGAGCTGCTGCTGGATTTGCACGGCCTGCAAAGAGAATGAAT-3'
Protein context (NP_001264993.1, residues 525-545): SEPCLKGQIK[Val535Ile]IRKGEVSCCW

ClinVar aggregate classification (germline): Uncertain significance. Review status: criteria provided, multiple submitters, no conflicts (2 of 4 stars). 2 submissions from 2 submitters: Uncertain significance (2). Last evaluated 2023-05-16.

Allele frequency attached by ClinVar (database versions not stated): gnomAD exomes below 0.00001; ExAC 0.00002; gnomAD 0.00005; TOPMed 0.00005; ESP Exome Variant Server 0.00008; 1000 Genomes Project 30x 0.00016; 1000 Genomes Project 0.00020.
gnomAD v4.1: 14 of 1,606,262 alleles (0.00087%); highest among the groups gnomAD compares: African/African-American, 0.012%; no homozygotes.

Submissions (2):

Labcorp Genetics (formerly Invitae), Labcorp
Classification: Uncertain significance. Last evaluated: 2023-05-16. Review status: criteria provided, single submitter. Criteria: Invitae Variant Classification Sherloc (09022015). Collection method: clinical testing. Allele origin: germline.
Comment: In summary, the available evidence is currently insufficient to determine the role of this variant in disease. Therefore, it has been classified as a Variant of Uncertain Significance. An algorithm developed to predict the effect of missense changes on protein structure and function (PolyPhen-2) suggests that this variant is likely to be disruptive. ClinVar contains an entry for this variant (Variation ID: 1985870). This variant has not been reported in the literature in individuals affected with GRM1-related conditions. This variant is present in population databases (rs370801324, gnomAD 0.02%). This sequence change replaces valine, which is neutral and non-polar, with isoleucine, which is neutral and non-polar, at codon 535 of the GRM1 protein (p.Val535Ile).

GeneDx
Classification: Uncertain significance. Last evaluated: 2023-01-04. Review status: criteria provided, single submitter. Criteria: GeneDx Variant Classification Process June 2021. Collection method: clinical testing. Allele origin: germline. Affected: yes.
Comment: In silico analysis supports that this missense variant does not alter protein structure/function; Has not been previously published as pathogenic or benign to our knowledge